The following is an entry in ClinVar:

NM_152468.5(TMC8):c.531+3G>A

Gene: TMC8 (transmembrane channel like 8; plus strand). Cytogenetic location: 17q25.3.
Variant type: single nucleotide variant.
Coding change: c.531+3G>A on transcript NM_152468.5 (MANE Select); 3 bases into the intron after coding-DNA position 531, G replaced by A.
Molecular consequence: intron variant.
Genome position (GRCh38, 1-based): chr17:78,132,873, G>A. VCF-style: chr17-78132873-G-A. GRCh37 (hg19) VCF-style: chr17-76128954-G-A.
Identifiers: ClinVar variation 1385617 (VCV001385617.4), dbSNP rs967787162, ClinGen allele CA294360116.

ClinVar aggregate classification (germline): Uncertain significance (1 of 4 stars; one submission).

Conditions:
Epidermodysplasia verruciformis. Identifiers: Orphanet 302, MedGen C0014522, MONDO:0009176.

Allele frequency attached by ClinVar (database versions not stated): gnomAD exomes below 0.00001 and 0.00001; gnomAD 0.00001; TOPMed 0.00002.
gnomAD v4.1: 8 of 1,614,078 alleles (0.0005%); highest among the groups gnomAD compares: Non-Finnish European, 0.00059%; no homozygotes.

Submission:

Labcorp Genetics (formerly Invitae), Labcorp
Classification: Uncertain significance for Epidermodysplasia verruciformis. Last evaluated: 2026-02-02. Review status: criteria provided, single submitter. Criteria: Invitae Variant Classification Sherloc (09022015). Collection method: clinical testing. Allele origin: germline.
Comment: This sequence change falls in intron 5 of the TMC8 gene. It does not directly change the encoded amino acid sequence of the TMC8 protein. It affects a nucleotide within the consensus splice site. This variant is present in population databases (no rsID available, gnomAD 0.0009%). This variant has not been reported in the literature in individuals affected with TMC8-related conditions. ClinVar contains an entry for this variant (Variation ID: 1385617). Variants that disrupt the consensus splice site are a relatively common cause of aberrant splicing (PMID: 17576681, 9536098). Algorithms developed to predict the effect of sequence changes on RNA splicing suggest that this variant is not likely to affect RNA splicing. In summary, the available evidence is currently insufficient to determine the role of this variant in disease. Therefore, it has been classified as a Variant of Uncertain Significance.

Literature cited by the submitters: PubMed 17576681; PubMed 9536098.